The following is an entry in ClinVar:

ClinVar aggregate classification (germline): Uncertain significance (1 of 4 stars; one submission).

Conditions:
NAF1-related disorder. Also called: NAF1-related condition.

Submission:

PreventionGenetics, part of Exact Sciences
Classification: Uncertain significance for NAF1-related condition. Last evaluated: 2026-01-06. Review status: criteria provided, single submitter. Criteria: ACMG Guidelines, 2015. Collection method: clinical testing. Allele origin: germline.
Comment: The NAF1 c.917A>G variant is predicted to result in the amino acid substitution p.Glu306Gly. To our knowledge, this variant has not been reported in the literature or in a large population database (gnomAD), indicating this variant is rare. At this time, the clinical significance of this variant is uncertain due to the absence of conclusive functional and genetic evidence.

NM_138386.3(NAF1):c.917A>G (p.Glu306Gly)

Gene: NAF1 (nuclear assembly factor 1 ribonucleoprotein; minus strand). Cytogenetic location: 4q32.2.
Variant type: single nucleotide variant.
Coding change: c.917A>G on transcript NM_138386.3 (MANE Select); coding-DNA position 917, A replaced by G.
Protein change: p.Glu306Gly; replaces glutamic acid 306 with glycine.
Molecular consequence: missense variant.
Genome position (GRCh38, 1-based): chr4:163,137,212, T>C on the plus strand (A>G on the coding strand, the complement: NAF1 is on the minus strand). VCF-style: chr4-163137212-T-C. GRCh37 (hg19) VCF-style: chr4-164058364-T-C.
Other names: c.917A>G, p.Glu306Gly (NM_001128931.2); short protein forms E306G.
Identifiers: ClinVar variation 4998449 (VCV004998449.1).